The following is an entry in ClinVar:

NM_004523.4(KIF11):c.704C>G (p.Ser235Cys)

Gene: KIF11 (kinesin family member 11; plus strand). Cytogenetic location: 10q23.33.
Variant type: single nucleotide variant.
Coding change: c.704C>G on transcript NM_004523.4 (MANE Select); coding-DNA position 704, C replaced by G.
Protein change: p.Ser235Cys; replaces serine 235 with cysteine.
Molecular consequence: missense variant.
Genome position (GRCh38, 1-based): chr10:92,613,045, C>G. VCF-style: chr10-92613045-C-G. GRCh37 (hg19) VCF-style: chr10-94372802-C-G.
Other names: short protein forms S235C.
Identifiers: ClinVar variation 29773 (VCV000029773.8), dbSNP rs387906643, ClinGen allele CA128632.
Genomic context (GRCh38, chr10:92,613,045, plus strand): 5'-GCAGCAAATGCTATTTTACATTATAATGACTGGGCAACTTGATATTGTTTTCTAGTCGTT[C>G]CCACTCAGTTTTCTCTGTTACAATACATATGAAAGAAACTACGATTGATGGAGAAGAGCT-3'
Protein context (NP_004514.2, residues 225-245): ATLMNAYSSR[Ser235Cys]HSVFSVTIHM

ClinVar aggregate classification (germline): Conflicting classifications of pathogenicity. Review status: criteria provided, conflicting classifications (1 of 4 stars). 3 submissions from 3 submitters: Likely pathogenic (1); Uncertain significance (1). 1 of the submissions does not count toward it. Last evaluated 2022-11-29.

Conditions:
Microcephaly with or without chorioretinopathy, lymphedema, or impaired intellectual development. Also called: Microcephaly lymphedema chorioretinal dysplasia; MICROCEPHALY, LYMPHEDEMA, CHORIORETINAL DYSPLASIA SYNDROME; MICROCEPHALY AND CHORIORETINOPATHY WITH OR WITHOUT MENTAL RETARDATION, AUTOSOMAL DOMINANT; Microcephaly with or without chorioretinopathy, lymphedema, or mental retardation; Microcephaly with or without chorioretinopathy, lymphedema, or intellectual disability. Identifiers: Orphanet 2526, MedGen C1835265, MONDO:0007918, OMIM 152950.

Submissions (3):

Labcorp Genetics (formerly Invitae), Labcorp
Classification: Likely pathogenic. Last evaluated: 2022-11-29. Review status: criteria provided, single submitter. Criteria: Invitae Variant Classification Sherloc (09022015). Collection method: clinical testing. Allele origin: germline.
Comment: In summary, the currently available evidence indicates that the variant is pathogenic, but additional data are needed to prove that conclusively. Therefore, this variant has been classified as Likely Pathogenic. Advanced modeling of protein sequence and biophysical properties (such as structural, functional, and spatial information, amino acid conservation, physicochemical variation, residue mobility, and thermodynamic stability) performed at Invitae indicates that this missense variant is expected to disrupt KIF11 protein function. ClinVar contains an entry for this variant (Variation ID: 29773). This missense change has been observed in individual(s) with clinical features of KIF11-related conditions (PMID: 22284827, 34128965). In at least one individual the variant was observed to be de novo. This variant is not present in population databases (gnomAD no frequency). This sequence change replaces serine, which is neutral and polar, with cysteine, which is neutral and slightly polar, at codon 235 of the KIF11 protein (p.Ser235Cys).

Institute of Human Genetics, University of Leipzig Medical Center
Classification: Uncertain significance for Microcephaly with or without chorioretinopathy, lymphedema, or impaired intellectual development. Last evaluated: 2020-01-20. Review status: criteria provided, single submitter. Criteria: ACMG Guidelines, 2015. Collection method: clinical testing. Allele origin: germline. Affected: yes. Observed: 1 variant allele.

OMIM
Classification: Pathogenic for MICROCEPHALY WITH OR WITHOUT CHORIORETINOPATHY, LYMPHEDEMA, OR IMPAIRED INTELLECTUAL DEVELOPMENT. Last evaluated: 2012-02-10. Review status: no assertion criteria provided. Collection method: literature only. Allele origin: germline. Not counted in ClinVar's aggregate classification.

Literature cited by the submitters: PubMed 22284827 (cited by Labcorp Genetics (formerly Invitae), Labcorp and OMIM); PubMed 34128965 (cited by Labcorp Genetics (formerly Invitae), Labcorp).